The following is an entry in ClinVar:

ClinVar aggregate classification (germline): Uncertain significance (1 of 4 stars; one submission).

Conditions:
Autosomal dominant nonsyndromic hearing loss 65. Also called: Deafness, autosomal dominant 65; TBC1D24-Related Autosomal Dominant Nonsyndromic Hearing Loss (DFNA). Identifiers: Orphanet 90635, MedGen C3892048, MONDO:0014470, OMIM 616044.
Developmental and epileptic encephalopathy, 1 (DEE1). Also called: INFANTILE SPASM SYNDROME, X-LINKED 1; X-linked infantile spasms; West's syndrome; Tonic spasms with clustering, arrest of psychomotor development and hypsarrhythmia on EEG; X-Linked Infantile Spasm Syndrome; OHTAHARA SYNDROME, X-LINKED. Identifiers: MedGen C3463992, MONDO:0010632, OMIM 308350. Disease mechanism: loss of function.

Submission:

Labcorp Genetics (formerly Invitae), Labcorp
Classification: Uncertain significance for Developmental and epileptic encephalopathy, 1; Autosomal dominant nonsyndromic hearing loss 65. Last evaluated: 2025-08-11. Review status: criteria provided, single submitter. Criteria: Invitae Variant Classification Sherloc (09022015). Collection method: clinical testing. Allele origin: germline.
Comment: This sequence change replaces alanine, which is neutral and non-polar, with proline, which is neutral and non-polar, at codon 155 of the TBC1D24 protein (p.Ala155Pro). This variant is not present in population databases (gnomAD no frequency). This variant has not been reported in the literature in individuals affected with TBC1D24-related conditions. ClinVar contains an entry for this variant (Variation ID: 3759157). Invitae Evidence Modeling of protein sequence and biophysical properties (such as structural, functional, and spatial information, amino acid conservation, physicochemical variation, residue mobility, and thermodynamic stability) indicates that this missense variant is not expected to disrupt TBC1D24 protein function with a negative predictive value of 80%. In summary, the available evidence is currently insufficient to determine the role of this variant in disease. Therefore, it has been classified as a Variant of Uncertain Significance.

NM_001199107.2(TBC1D24):c.463G>C (p.Ala155Pro)

Gene: TBC1D24 (TBC1 domain family member 24; plus strand). Cytogenetic location: 16p13.3.
Variant type: single nucleotide variant.
Coding change: c.463G>C on transcript NM_001199107.2 (MANE Select); coding-DNA position 463, G replaced by C.
Protein change: p.Ala155Pro; replaces alanine 155 with proline.
Molecular consequence: missense variant.
Genome position (GRCh38, 1-based): chr16:2,496,611, G>C. VCF-style: chr16-2496611-G-C. GRCh37 (hg19) VCF-style: chr16-2546612-G-C.
Other names: c.463G>C, p.Ala155Pro (NM_020705.3); short protein forms A155P.
Identifiers: ClinVar variation 3759157 (VCV003759157.2).